The following is an entry in ClinVar:

ClinVar aggregate classification (germline): Uncertain significance. Review status: criteria provided, multiple submitters, no conflicts (2 of 4 stars). 2 submissions from 2 submitters: Uncertain significance (2). Last evaluated 2025-10-01.

Conditions:
Inborn genetic diseases. Identifiers: MedGen C0950123, MeSH D030342.

Allele frequency attached by ClinVar (database versions not stated): gnomAD exomes below 0.00001; ExAC 0.00001.
gnomAD v4.1: 1 of 1,609,998 alleles (0.000062%); highest among the groups gnomAD compares: Non-Finnish European, 0.000085%; no homozygotes.

Submissions (2):

Labcorp Genetics (formerly Invitae), Labcorp
Classification: Uncertain significance. Last evaluated: 2025-10-01. Review status: criteria provided, single submitter. Criteria: Invitae Variant Classification Sherloc (09022015). Collection method: clinical testing. Allele origin: germline.
Comment: This sequence change replaces lysine, which is basic and polar, with glutamic acid, which is acidic and polar, at codon 341 of the KMT2E protein (p.Lys341Glu). This variant is not present in population databases (gnomAD no frequency). This variant has not been reported in the literature in individuals affected with KMT2E-related conditions. ClinVar contains an entry for this variant (Variation ID: 2415894). Invitae Evidence Modeling of protein sequence and biophysical properties (such as structural, functional, and spatial information, amino acid conservation, physicochemical variation, residue mobility, and thermodynamic stability) indicates that this missense variant is expected to disrupt KMT2E protein function with a positive predictive value of 80%. In summary, the available evidence is currently insufficient to determine the role of this variant in disease. Therefore, it has been classified as a Variant of Uncertain Significance.

Ambry Genetics
Classification: Uncertain significance for Inborn genetic diseases. Last evaluated: 2025-06-07. Review status: criteria provided, single submitter. Criteria: Ambry Variant Classification Scheme 2023. Collection method: clinical testing. Allele origin: germline.

NM_182931.3(KMT2E):c.1021A>G (p.Lys341Glu)

Gene: KMT2E (lysine methyltransferase 2E (inactive); plus strand). Cytogenetic location: 7q22.3.
Variant type: single nucleotide variant.
Coding change: c.1021A>G on transcript NM_182931.3 (MANE Select); coding-DNA position 1021, A replaced by G.
Protein change: p.Lys341Glu; replaces lysine 341 with glutamic acid.
Molecular consequence: missense variant.
Genome position (GRCh38, 1-based): chr7:105,077,324, A>G. VCF-style: chr7-105077324-A-G. GRCh37 (hg19) VCF-style: chr7-104717771-A-G.
Other names: c.1021A>G, p.Lys341Glu (NM_001410908.1, NM_018682.4); c.1021A>G (NM_182931.2); short protein forms K341E.
Identifiers: ClinVar variation 2415894 (VCV002415894.6), dbSNP rs767291630, ClinGen allele CA4423910.